The following is an entry in ClinVar:

ClinVar aggregate classification (germline): Uncertain significance (1 of 4 stars; one submission).

Conditions:
Hereditary hemochromatosis (HFE). Identifiers: MedGen C0392514, MONDO:0006507. Disease mechanism: loss of function.

Submission:

Labcorp Genetics (formerly Invitae), Labcorp
Classification: Uncertain significance for Hereditary hemochromatosis. Last evaluated: 2022-05-20. Review status: criteria provided, single submitter. Criteria: Invitae Variant Classification Sherloc (09022015). Collection method: clinical testing. Allele origin: germline.
Comment: In summary, the available evidence is currently insufficient to determine the role of this variant in disease. Therefore, it has been classified as a Variant of Uncertain Significance. Algorithms developed to predict the effect of missense changes on protein structure and function are either unavailable or do not agree on the potential impact of this missense change (SIFT: "Tolerated"; PolyPhen-2: "Probably Damaging"; Align-GVGD: "Class C15"). This variant has not been reported in the literature in individuals affected with HFE-related conditions. This variant is not present in population databases (gnomAD no frequency). This sequence change replaces isoleucine, which is neutral and non-polar, with valine, which is neutral and non-polar, at codon 105 of the HFE protein (p.Ile105Val).

NM_000410.4(HFE):c.313A>G (p.Ile105Val)

Gene: HFE (homeostatic iron regulator; plus strand). Cytogenetic location: 6p22.2.
Variant type: single nucleotide variant.
Coding change: c.313A>G on transcript NM_000410.4 (MANE Select); coding-DNA position 313, A replaced by G.
Protein change: p.Ile105Val; replaces isoleucine 105 with valine.
Molecular consequence: missense variant. On other transcripts: intron variant (4).
Genome position (GRCh38, 1-based): chr6:26,091,077, A>G. VCF-style: chr6-26091077-A-G. GRCh37 (hg19) VCF-style: chr6-26091305-A-G.
Other names: c.313A>G, p.Ile105Val (NM_001300749.3, NM_001384164.1, NM_001406751.1 and 3 more transcripts); c.244A>G, p.Ile82Val (NM_139009.3); c.77-237A>G (NM_139007.3, NM_139008.3); c.77-1608A>G (NM_139010.3); c.77-2042A>G (NM_139011.3); short protein forms I105V, I82V.
Identifiers: ClinVar variation 1982247 (VCV001982247.4), dbSNP rs2481603911, ClinGen allele CA363206283.